The following is an entry in ClinVar:

NM_004714.3(DYRK1B):c.1683G>C (p.Pro561=)

Gene: DYRK1B (dual specificity tyrosine phosphorylation regulated kinase 1B; minus strand). Cytogenetic location: 19q13.2.
Variant type: single nucleotide variant.
Coding change: c.1683G>C on transcript NM_004714.3 (MANE Select); coding-DNA position 1683, G replaced by C.
Protein change: p.Pro561=; no amino-acid change (proline 561 retained).
Molecular consequence: synonymous variant.
Genome position (GRCh38, 1-based): chr19:39,825,922, C>G on the plus strand (G>C on the coding strand, the complement: DYRK1B is on the minus strand). VCF-style: chr19-39825922-C-G. GRCh37 (hg19) VCF-style: chr19-40316562-C-G.
Other names: c.1563G>C, p.Pro521= (NM_006483.3); c.1599G>C, p.Pro533= (NM_006484.3).
Identifiers: ClinVar variation 3025491 (VCV003025491.22), dbSNP rs146845211, ClinGen allele CA507664304.

ClinVar aggregate classification (germline): Likely benign (1 of 4 stars; one submission).

Submission:

CeGaT Center for Human Genetics Tuebingen
Classification: Likely benign. Last evaluated: 2024-02-01. Review status: criteria provided, single submitter. Criteria: CeGaT Center For Human Genetics Tuebingen Variant Classification Criteria Version 2. Collection method: clinical testing. Allele origin: germline. Affected: yes. Observed: 1 variant allele.
Comment: DYRK1B: PM2:Supporting, BP4, BP7